The following is an entry in ClinVar:

NM_130384.3(ATRIP):c.100G>A (p.Ala34Thr)

Genes: ATRIP (ATR interacting protein; plus strand), ATRIP-TREX1 (ATRIP-TREX1 readthrough; plus strand), LOC129936703 (ATAC-STARR-seq lymphoblastoid silent region 14331; plus strand). Cytogenetic location: 3p21.31.
Variant type: single nucleotide variant.
Coding change: c.100G>A on transcript NM_130384.3 (MANE Select); coding-DNA position 100, G replaced by A.
Protein change: p.Ala34Thr; replaces alanine 34 with threonine.
Molecular consequence: missense variant. On other transcripts: non-coding transcript variant (1), intron variant (1).
Genome position (GRCh38, 1-based): chr3:48,446,945, G>A. VCF-style: chr3-48446945-G-A. GRCh37 (hg19) VCF-style: chr3-48488349-G-A.
Other names: c.100G>A, p.Ala34Thr (NM_032166.4); c.-218+146G>A (NM_001271022.2); short protein forms A34T.
Identifiers: ClinVar variation 4182583 (VCV004182583.1).

ClinVar aggregate classification (germline): Uncertain significance (1 of 4 stars; one submission).

gnomAD v4.1: 1 of 1,522,054 alleles (0.000066%); highest among the groups gnomAD compares: South Asian, 0.0012%; no homozygotes.

Submission:

Ambry Genetics
Classification: Uncertain significance. Last evaluated: 2025-08-22. Review status: criteria provided, single submitter. Criteria: Ambry Variant Classification Scheme 2023. Collection method: clinical testing. Allele origin: germline.
Comment: The p.A34T variant (also known as c.100G>A), located in coding exon 1 of the ATRIP gene, results from a G to A substitution at nucleotide position 100. The alanine at codon 34 is replaced by threonine, an amino acid with similar properties. This amino acid position is conserved. In addition, this alteration is predicted to be tolerated by in silico analysis. Based on the available evidence, the clinical significance of this variant remains unclear.